The following is an entry in ClinVar:

ClinVar aggregate classification (germline): Uncertain significance (1 of 4 stars; one submission).

Conditions:
Hereditary cancer-predisposing syndrome. Also called: Neoplastic Syndromes, Hereditary; Tumor predisposition; Hereditary neoplastic syndrome; Hereditary Cancer Syndrome. Identifiers: Orphanet 140162, MedGen C0027672, MeSH D009386, MONDO:0015356.

Submission:

Ambry Genetics
Classification: Uncertain significance for Hereditary cancer-predisposing syndrome. Last evaluated: 2025-11-11. Review status: criteria provided, single submitter. Criteria: Ambry Variant Classification Scheme 2023. Collection method: clinical testing. Allele origin: germline.
Comment: The p.C1030R variant (also known as c.3088T>C), located in coding exon 15 of the BLM gene, results from a T to C substitution at nucleotide position 3088. The cysteine at codon 1030 is replaced by arginine, an amino acid with highly dissimilar properties. This variant was identified as germline in a cohort of 690 patients with myeloid malignancy (Li ST et al. Leukemia, 2020 Jun;34:1675-1678). This amino acid position is highly conserved in available vertebrate species. In addition, this alteration is predicted to be deleterious by in silico analysis. Since supporting evidence is limited at this time, the clinical significance of this alteration remains unclear.

Literature cited by the submitters: PubMed 31911633.

NM_000057.4(BLM):c.3088T>C (p.Cys1030Arg)

Gene: BLM (BLM RecQ like helicase; plus strand). Cytogenetic location: 15q26.1.
Variant type: single nucleotide variant.
Coding change: c.3088T>C on transcript NM_000057.4 (MANE Select); coding-DNA position 3088, T replaced by C.
Protein change: p.Cys1030Arg; replaces cysteine 1030 with arginine.
Molecular consequence: missense variant.
Genome position (GRCh38, 1-based): chr15:90,794,235, T>C. VCF-style: chr15-90794235-T-C. GRCh37 (hg19) VCF-style: chr15-91337465-T-C.
Other names: c.3088T>C, p.Cys1030Arg (NM_001287246.2, NM_001287247.2); c.1963T>C, p.Cys655Arg (NM_001287248.2); short protein forms C1030R, C655R.
Identifiers: ClinVar variation 2452552 (VCV002452552.3), dbSNP rs1896974604, ClinGen allele CA393846806.